The following is an entry in ClinVar:

ClinVar aggregate classification (germline): Benign. Review status: criteria provided, multiple submitters, no conflicts (2 of 4 stars). 9 submissions from 9 submitters: Benign (7). 2 of the submissions do not count toward it. Last evaluated 2026-02-03.

Conditions:
USH1C-related disorder. Also called: USH1C-related condition.
Usher syndrome type 1C. Also called: USHER SYNDROME, TYPE I, ACADIAN VARIETY. Identifiers: Orphanet 231169, Orphanet 886, MedGen C1848604, MONDO:0010171, OMIM 276904.

Allele frequency attached by ClinVar (database versions not stated): ESP Exome Variant Server 0.00054; gnomAD 0.00479 and 0.00542; TOPMed 0.00599; 1000 Genomes Project 0.01278; ExAC 0.01509; gnomAD exomes 0.00849; 1000 Genomes Project 30x 0.01234.
gnomAD v4.1: 5,232 of 1,595,680 alleles (0.33%); highest among the groups gnomAD compares: East Asian, 7%; 128 homozygotes.

Submissions (9):

Labcorp Genetics (formerly Invitae), Labcorp
Classification: Benign. Last evaluated: 2026-02-03. Review status: criteria provided, single submitter. Criteria: Invitae Variant Classification Sherloc (09022015). Collection method: clinical testing. Allele origin: germline.

ARUP Laboratories, Molecular Genetics and Genomics, ARUP Laboratories
Classification: Benign. Last evaluated: 2020-04-17. Review status: criteria provided, single submitter. Criteria: ARUP Molecular Germline Variant Investigation Process. Collection method: clinical testing. Allele origin: germline.

Illumina Laboratory Services, Illumina
Classification: Benign for Usher syndrome type 1C. Last evaluated: 2018-01-13. Review status: criteria provided, single submitter. Criteria: ICSL Variant Classification Criteria 13 December 2019. Collection method: clinical testing. Allele origin: germline.
Comment: This variant was observed in the ICSL laboratory as part of a predisposition screen in an ostensibly healthy population. It had not been previously curated by ICSL or reported in the Human Gene Mutation Database (HGMD: prior to June 1st, 2018), and was therefore a candidate for classification through an automated scoring system. Utilizing variant allele frequency, disease prevalence and penetrance estimates, and inheritance mode, an automated score was calculated to assess if this variant is too frequent to cause the disease. Based on the score and internal cut-off values, a variant classified as benign is not then subjected to further curation. The score for this variant resulted in a classification of benign for this disease.

GeneDx
Classification: Benign. Last evaluated: 2016-04-29. Review status: criteria provided, single submitter. Criteria: GeneDx Variant Classification (06012015). Collection method: clinical testing. Allele origin: germline. Affected: yes.
Comment: This variant is considered likely benign or benign based on one or more of the following criteria: it is a conservative change, it occurs at a poorly conserved position in the protein, it is predicted to be benign by multiple in silico algorithms, and/or has population frequency not consistent with disease.

Eurofins Ntd Llc (ga)
Classification: Benign. Last evaluated: 2015-07-23. Review status: criteria provided, single submitter. Criteria: EGL Classification Definitions 2015. Collection method: clinical testing. Allele origin: germline. Observed: 1 variant allele, 1 heterozygote.

Laboratory for Molecular Medicine, Mass General Brigham Personalized Medicine
Classification: Benign. Last evaluated: 2013-05-13. Review status: criteria provided, single submitter. Criteria: LMM Criteria. Collection method: clinical testing. Allele origin: germline. Observed: 33 variant alleles.
Comment: Ala415Thr in exon 15B of USH1C: This variant is not expected to have clinical si gnificance because it is has been identified in 35/2188 (1.6%) chromosomes from the 1000 Genome Project, and in 1/7020 European American chromosomes and 4/3738 African American chromosomes from a broad population by the NHLBI Exome sequenci ng project (dbSNP rs116996553).

Breakthrough Genomics
Classification: Benign. Review status: criteria provided, single submitter. Criteria: ACMG Guidelines, 2015. Collection method: not provided. Allele origin: germline. Inheritance: Autosomal recessive inheritance. Affected: yes.

Natera, Inc.
Classification: Benign for Usher syndrome type 1C. Last evaluated: 2020-09-16. Review status: no assertion criteria provided. Collection method: clinical testing. Allele origin: germline. Not counted in ClinVar's aggregate classification.

PreventionGenetics, part of Exact Sciences
Classification: Benign for USH1C-related condition. Last evaluated: 2019-03-25. Review status: no assertion criteria provided. Collection method: clinical testing. Allele origin: germline. Not counted in ClinVar's aggregate classification.
Comment: This variant is classified as benign based on ACMG/AMP sequence variant interpretation guidelines (Richards et al. 2015 PMID: 25741868, with internal and published modifications).

NM_005709.4(USH1C):c.1243G>A (p.Ala415Thr)

Gene: USH1C (USH1 protein network component harmonin; minus strand). Cytogenetic location: 11p15.1.
Variant type: single nucleotide variant.
Coding change: c.1243G>A on transcript NM_005709.4 (MANE Plus Clinical); coding-DNA position 1243, G replaced by A.
Protein change: p.Ala415Thr; replaces alanine 415 with threonine.
Molecular consequence: missense variant. On other transcripts: intron variant (1).
Genome position (GRCh38, 1-based): chr11:17,517,442, C>T on the plus strand (G>A on the coding strand, the complement: USH1C is on the minus strand). VCF-style: chr11-17517442-C-T. GRCh37 (hg19) VCF-style: chr11-17538989-C-T.
Other names: c.1186G>A, p.Ala396Thr (NM_001297764.2); c.1211-1152G>A (NM_153676.4); short protein forms A415T, A396T.
Identifiers: ClinVar variation 45425 (VCV000045425.32), dbSNP rs116996553, ClinGen allele CA136322.
Genomic context (GRCh38, chr11:17,517,442, plus strand): 5'-GCAAAGCGGGGACGCGAACCTGCTCTCCCTGCTCCTCCGTGCCTCCATCCAGGTCATCTG[C>T]GGGCTCGAGCTCAGGTTCCACTCCCTGATCATCTACCCAGGGAAAAGAGGAGGAAGCTGG-3'
Protein context (NP_005700.2, residues 405-425): DQGVEPELEP[Ala415Thr]DDLDGGTEEQ